The following is an entry in ClinVar:

ClinVar aggregate classification (germline): Likely benign. Review status: criteria provided, multiple submitters, no conflicts (2 of 4 stars). 2 submissions from 2 submitters: Likely benign (2). Last evaluated 2024-01-31.

Conditions:
Hereditary cancer-predisposing syndrome. Also called: Hereditary neoplastic syndrome; Hereditary Cancer Syndrome; Neoplastic Syndromes, Hereditary; Tumor predisposition. Identifiers: Orphanet 140162, MedGen C0027672, MeSH D009386, MONDO:0015356.
Retinoblastoma (RB1). Also called: RETINOBLASTOMA, SOMATIC. Identifiers: Orphanet 790, MedGen C0035335, MeSH D012175, MONDO:0008380, OMIM 180200, HP:0009919. Disease mechanism: loss of function. Inheritance: Both sporadic and heritable forms are tested..

Allele frequency attached by ClinVar (database versions not stated): gnomAD exomes 0.00001.
gnomAD v4.1: 6 of 1,614,240 alleles (0.00037%); highest among the groups gnomAD compares: Non-Finnish European, 0.00051%; no homozygotes.

Submissions (2):

Ambry Genetics
Classification: Likely benign for Hereditary cancer-predisposing syndrome. Last evaluated: 2024-01-31. Review status: criteria provided, single submitter. Criteria: Ambry Variant Classification Scheme 2023. Collection method: clinical testing. Allele origin: germline.

All of Us Research Program, National Institutes of Health
Classification: Likely benign for Retinoblastoma. Last evaluated: 2023-09-17. Review status: criteria provided, single submitter. Criteria: ACMG Guidelines, 2015. Collection method: clinical testing. Allele origin: germline. Inheritance: Autosomal dominant inheritance. Observed: 1 variant allele, 1 heterozygote.
Comment: This study involves interpretation of variants in research participants for the purpose of population health screening. Participant phenotype was not available at the time of variant classification. Additional details can be found in publication PMID: 35346344, PMCID: PMC8962531

NM_000321.3(RB1):c.1884A>G (p.Ala628=)

Gene: RB1 (RB transcriptional corepressor 1; plus strand). Cytogenetic location: 13q14.2.
Variant type: single nucleotide variant.
Coding change: c.1884A>G on transcript NM_000321.3 (MANE Select); coding-DNA position 1884, A replaced by G.
Protein change: p.Ala628=; no amino-acid change (alanine 628 retained).
Molecular consequence: synonymous variant.
Genome position (GRCh38, 1-based): chr13:48,456,273, A>G. VCF-style: chr13-48456273-A-G. GRCh37 (hg19) VCF-style: chr13-49030409-A-G.
Other names: c.1884A>G, p.Ala628= (NM_001407165.1).
Identifiers: ClinVar variation 3073399 (VCV003073399.2), dbSNP rs2138331291, ClinGen allele CA483558860.